The following is an entry in ClinVar:

NM_002711.4(PPP1R3A):c.2713G>T (p.Asp905Tyr)

Gene: PPP1R3A (protein phosphatase 1 regulatory subunit 3A; minus strand). Cytogenetic location: 7q31.1.
Variant type: single nucleotide variant.
Coding change: c.2713G>T on transcript NM_002711.4 (MANE Select); coding-DNA position 2713, G replaced by T.
Protein change: p.Asp905Tyr; replaces aspartic acid 905 with tyrosine.
Molecular consequence: missense variant.
Genome position (GRCh38, 1-based): chr7:113,878,379, C>A on the plus strand (G>T on the coding strand, the complement: PPP1R3A is on the minus strand). VCF-style: chr7-113878379-C-A. GRCh37 (hg19) VCF-style: chr7-113518434-C-A.
Other names: short protein forms D905Y.
Identifiers: ClinVar variation 8706 (VCV000008706.10), dbSNP rs1799999, ClinGen allele CA119847.

ClinVar aggregate classification (germline): Conflicting classifications of pathogenicity. Review status: criteria provided, conflicting classifications (1 of 4 stars). 4 submissions from 4 submitters: Uncertain significance (1); Benign (1). 2 of the submissions do not count toward it. Last evaluated 2018-11-12.

Conditions:
PPP1R3A-related disorder. Also called: PPP1R3A-related condition.
Insulin resistance, susceptibility to. Identifiers: MedGen C1852091.
Type 2 diabetes mellitus. Also called: Type II diabetes mellitus. Identifiers: MedGen C0011860, MeSH D003924, MONDO:0005148, OMIM 125853, HP:0005978.

Allele frequency attached by ClinVar (database versions not stated): 1000 Genomes Project 0.30871; gnomAD 0.16138 and 0.17465; gnomAD exomes 0.14037 and 0.22107; TOPMed 0.17794; ExAC 0.21906; 1000 Genomes Project 30x 0.29606.
gnomAD v4.1: 233,189 of 1,611,778 alleles (14%); highest among the groups gnomAD compares: East Asian, 69%; 29,281 homozygotes.

Submissions (4):

GeneDx
Classification: Benign. Last evaluated: 2018-11-12. Review status: criteria provided, single submitter. Criteria: GeneDx Variant Classification Process June 2021. Collection method: clinical testing. Allele origin: germline. Affected: yes.
Comment: This variant is associated with the following publications: (PMID: 7581368)

Centre for Mendelian Genomics, University Medical Centre Ljubljana
Classification: Uncertain significance for Type 2 diabetes mellitus. Last evaluated: 2016-01-01. Review status: criteria provided, single submitter. Criteria: ACMG Guidelines, 2015. Collection method: clinical testing. Allele origin: unknown. Affected: yes.
Comment: This variant was classified as: Uncertain significance. The following ACMG criteria were applied in classifying this variant: BP6,PP5. This variant was detected in homozygous state.

PreventionGenetics, part of Exact Sciences
Classification: Benign for PPP1R3A-related condition. Last evaluated: 2019-10-17. Review status: no assertion criteria provided. Collection method: clinical testing. Allele origin: germline. Not counted in ClinVar's aggregate classification.
Comment: This variant is classified as benign based on ACMG/AMP sequence variant interpretation guidelines (Richards et al. 2015 PMID: 25741868, with internal and published modifications).

OMIM
Classification: risk factor for INSULIN RESISTANCE, SUSCEPTIBILITY TO. Last evaluated: 1995-08-01. Review status: no assertion criteria provided. Collection method: literature only. Allele origin: germline. Not counted in ClinVar's aggregate classification.

Literature cited by the submitters: PubMed 7581368 (cited by OMIM).